The following is an entry in ClinVar:

ClinVar aggregate classification (germline): Likely benign. Review status: criteria provided, multiple submitters, no conflicts (2 of 4 stars). 3 submissions from 3 submitters: Likely benign (2). 1 of the submissions does not count toward it. Last evaluated 2026-01-11.

Conditions:
DTNBP1-related disorder. Also called: DTNBP1-related condition.

Allele frequency attached by ClinVar (database versions not stated): gnomAD exomes 0.00011 and 0.00016; ExAC 0.00015.
gnomAD v4.1: 172 of 1,606,770 alleles (0.011%); highest among the groups gnomAD compares: Non-Finnish European, 0.011%; no homozygotes.

Submissions (3):

Labcorp Genetics (formerly Invitae), Labcorp
Classification: Likely benign. Last evaluated: 2026-01-11. Review status: criteria provided, single submitter. Criteria: Invitae Variant Classification Sherloc (09022015). Collection method: clinical testing. Allele origin: germline.

Mayo Clinic Laboratories, Mayo Clinic
Classification: Likely benign. Last evaluated: 2024-11-15. Review status: criteria provided, single submitter. Criteria: ACMG Guidelines, 2015. Collection method: clinical testing. Allele origin: germline. Observed: 1 variant allele.

PreventionGenetics, part of Exact Sciences
Classification: Likely benign for DTNBP1-related condition. Last evaluated: 2019-06-11. Review status: no assertion criteria provided. Collection method: clinical testing. Allele origin: germline. Not counted in ClinVar's aggregate classification.
Comment: This variant is classified as likely benign based on ACMG/AMP sequence variant interpretation guidelines (Richards et al. 2015 PMID: 25741868, with internal and published modifications).

NM_032122.5(DTNBP1):c.6G>T (p.Leu2=)

Genes: DTNBP1 (dystrobrevin binding protein 1; minus strand), LOC129995888 (ATAC-STARR-seq lymphoblastoid silent region 16953; plus strand). Cytogenetic location: 6p22.3.
Variant type: single nucleotide variant.
Coding change: c.6G>T on transcript NM_032122.5 (MANE Select); coding-DNA position 6, G replaced by T.
Protein change: p.Leu2=; no amino-acid change (leucine 2 retained).
Molecular consequence: synonymous variant. On other transcripts: 5 prime UTR variant (1), non-coding transcript variant (1).
Genome position (GRCh38, 1-based): chr6:15,662,864, C>A on the plus strand (G>T on the coding strand, the complement: DTNBP1 is on the minus strand). VCF-style: chr6-15662864-C-A. GRCh37 (hg19) VCF-style: chr6-15663095-C-A.
Other names: p.Leu2=; c.6G>T (NM_032122.4); c.-283G>T (NM_001271667.2); c.6G>T, p.Leu2= (NM_001271668.2, NM_001271669.2, NM_183040.2).
Identifiers: ClinVar variation 1575406 (VCV001575406.11), dbSNP rs778217545, ClinGen allele CA3644328.